The following is an entry in ClinVar:

NM_015214.3(DDHD2):c.1796A>G (p.Lys599Arg)

Gene: DDHD2 (DDHD domain containing 2; plus strand). Cytogenetic location: 8p11.23.
Variant type: single nucleotide variant.
Coding change: c.1796A>G on transcript NM_015214.3 (MANE Select); coding-DNA position 1796, A replaced by G.
Protein change: p.Lys599Arg; replaces lysine 599 with arginine.
Molecular consequence: missense variant. On other transcripts: non-coding transcript variant (2).
Genome position (GRCh38, 1-based): chr8:38,253,032, A>G. VCF-style: chr8-38253032-A-G. GRCh37 (hg19) VCF-style: chr8-38110550-A-G.
Other names: c.1706A>G, p.Lys569Arg (NM_001362913.2); c.1796A>G, p.Lys599Arg (NM_001362914.2, NM_001164232.2, NM_001362911.2 and 1 more transcripts); short protein forms K599R, K569R.
Identifiers: ClinVar variation 1359648 (VCV001359648.6), dbSNP rs1487744193, ClinGen allele CA370695280.

ClinVar aggregate classification (germline): Uncertain significance. Review status: criteria provided, multiple submitters, no conflicts (2 of 4 stars). 2 submissions from 2 submitters: Uncertain significance (2). Last evaluated 2023-12-13.

Conditions:
Hereditary spastic paraplegia 54. Also called: Spastic paraplegia 54, autosomal recessive. Identifiers: Orphanet 320380, MedGen C3539495, MONDO:0014018, OMIM 615033.

Allele frequency attached by ClinVar (database versions not stated): gnomAD exomes 0.00001.
gnomAD v4.1: 22 of 1,614,166 alleles (0.0014%); highest among the groups gnomAD compares: South Asian, 0.015%; 1 homozygote.

Submissions (2):

Genetic Foundation of Khorasan Razavi (GFKR)
Classification: Uncertain significance for Hereditary spastic paraplegia 54. Last evaluated: 2023-12-13. Review status: criteria provided, single submitter. Criteria: ACMG Guidelines, 2015. Collection method: clinical testing. Allele origin: inherited. Inheritance: Autosomal recessive inheritance. Affected: yes. Observed: 1 homozygote.
Comment: The variant is very rare from population databases and has also been previously submitted to ClinVar as a variant of uncertain significance (VUS)(VCV001359648.6)

Labcorp Genetics (formerly Invitae), Labcorp
Classification: Uncertain significance for Hereditary spastic paraplegia 54. Last evaluated: 2023-07-10. Review status: criteria provided, single submitter. Criteria: Invitae Variant Classification Sherloc (09022015). Collection method: clinical testing. Allele origin: germline.
Comment: This sequence change replaces lysine, which is basic and polar, with arginine, which is basic and polar, at codon 599 of the DDHD2 protein (p.Lys599Arg). This variant is present in population databases (no rsID available, gnomAD 0.01%). This variant has not been reported in the literature in individuals affected with DDHD2-related conditions. ClinVar contains an entry for this variant (Variation ID: 1359648). Advanced modeling of protein sequence and biophysical properties (such as structural, functional, and spatial information, amino acid conservation, physicochemical variation, residue mobility, and thermodynamic stability) performed at Invitae indicates that this missense variant is not expected to disrupt DDHD2 protein function. In summary, the available evidence is currently insufficient to determine the role of this variant in disease. Therefore, it has been classified as a Variant of Uncertain Significance.